The following is an entry in ClinVar:

NM_020937.4(FANCM):c.5805T>A (p.Ser1935Arg)

Gene: FANCM (FA complementation group M; plus strand). Cytogenetic location: 14q21.2.
Variant type: single nucleotide variant.
Coding change: c.5805T>A on transcript NM_020937.4 (MANE Select); coding-DNA position 5805, T replaced by A.
Protein change: p.Ser1935Arg; replaces serine 1935 with arginine.
Molecular consequence: missense variant.
Genome position (GRCh38, 1-based): chr14:45,198,732, T>A. VCF-style: chr14-45198732-T-A. GRCh37 (hg19) VCF-style: chr14-45667935-T-A.
Other names: c.5727T>A, p.Ser1909Arg (NM_001308133.2); short protein forms S1909R, S1935R.
Identifiers: ClinVar variation 949518 (VCV000949518.10), dbSNP rs1890206867, ClinGen allele CA389586850.
Genomic context (GRCh38, chr14:45,198,732, plus strand): 5'-AAAGAGCTATGACAGCCTGCTGACTACCTTAATTGGCGCTGGAATCCGAATTCTTTTCAG[T>A]TCCTGCCAAGAAGAAACCGCAGATTTGCTAAAGGAACTGTCTTTAGTGGAACAAAGAAAG-3'
Protein context (NP_065988.1, residues 1925-1945): LIGAGIRILF[Ser1935Arg]SCQEETADLL

ClinVar aggregate classification (germline): Uncertain significance. Review status: criteria provided, multiple submitters, no conflicts (2 of 4 stars). 2 submissions from 2 submitters: Uncertain significance (2). Last evaluated 2025-11-08.

Conditions:
Fanconi anemia (FA). Also called: Fanconi's anemia. Identifiers: Orphanet 84, MedGen C0015625, MeSH D005199, MONDO:0019391.
Inborn genetic diseases. Identifiers: MedGen C0950123, MeSH D030342.

Allele frequency attached by ClinVar (database versions not stated): gnomAD exomes below 0.00001; TOPMed below 0.00001.
gnomAD v4.1: 1 of 1,613,930 alleles (0.000062%); highest among the groups gnomAD compares: African/African-American, 0.0013%; no homozygotes.

Submissions (2):

Ambry Genetics
Classification: Uncertain significance for Inborn genetic diseases. Last evaluated: 2025-11-08. Review status: criteria provided, single submitter. Criteria: Ambry Variant Classification Scheme 2023. Collection method: clinical testing. Allele origin: germline.
Comment: The p.S1935R variant (also known as c.5805T>A), located in coding exon 22 of the FANCM gene, results from a T to A substitution at nucleotide position 5805. The serine at codon 1935 is replaced by arginine, an amino acid with dissimilar properties. This amino acid position is conserved. In addition, the in silico prediction for this alteration is inconclusive. Based on the available evidence, the clinical significance of this variant remains unclear.

Labcorp Genetics (formerly Invitae), Labcorp
Classification: Uncertain significance for Fanconi anemia. Last evaluated: 2022-09-07. Review status: criteria provided, single submitter. Criteria: Invitae Variant Classification Sherloc (09022015). Collection method: clinical testing. Allele origin: germline.
Comment: This sequence change replaces serine, which is neutral and polar, with arginine, which is basic and polar, at codon 1935 of the FANCM protein (p.Ser1935Arg). This variant is not present in population databases (gnomAD no frequency). This variant has not been reported in the literature in individuals affected with FANCM-related conditions. ClinVar contains an entry for this variant (Variation ID: 949518). Algorithms developed to predict the effect of missense changes on protein structure and function (SIFT, PolyPhen-2, Align-GVGD) all suggest that this variant is likely to be disruptive. Algorithms developed to predict the effect of sequence changes on RNA splicing suggest that this variant may create or strengthen a splice site. In summary, the available evidence is currently insufficient to determine the role of this variant in disease. Therefore, it has been classified as a Variant of Uncertain Significance.